The following is an entry in ClinVar:

ClinVar aggregate classification (germline): Benign (0 of 4 stars; one submission).

Conditions:
MUC16-related disorder. Also called: MUC16-related condition.

Allele frequency attached by ClinVar (database versions not stated): 1000 Genomes Project 0.24820; 1000 Genomes Project 30x 0.24922; gnomAD 0.25951; TOPMed 0.26164; ESP Exome Variant Server 0.26282; ExAC 0.26291; gnomAD exomes 0.29269.

Submission:

PreventionGenetics, part of Exact Sciences
Classification: Benign for MUC16-related condition. Last evaluated: 2019-10-22. Review status: no assertion criteria provided. Collection method: clinical testing. Allele origin: germline.
Comment: This variant is classified as benign based on ACMG/AMP sequence variant interpretation guidelines (Richards et al. 2015 PMID: 25741868, with internal and published modifications).

NM_001401501.2(MUC16):c.10575G>A (p.Ala3525=)

Gene: MUC16 (mucin 16, cell surface associated; minus strand). Cytogenetic location: 19p13.2.
Variant type: single nucleotide variant.
Coding change: c.10575G>A on transcript NM_001401501.2 (MANE Select); coding-DNA position 10575, G replaced by A.
Protein change: p.Ala3525=; no amino-acid change (alanine 3525 retained).
Molecular consequence: synonymous variant.
Genome position (GRCh38, 1-based): chr19:8,966,315, C>T on the plus strand (G>A on the coding strand, the complement: MUC16 is on the minus strand). VCF-style: chr19-8966315-C-T. GRCh37 (hg19) VCF-style: chr19-9076991-C-T.
Other names: c.11001G>A, p.Ala3667= (NM_001414686.1); c.10455G>A, p.Ala3485= (NM_001414687.1, NM_024690.2).
Identifiers: ClinVar variation 3059307 (VCV003059307.2), dbSNP rs2591595, ClinGen allele CA9171454.
Genomic context (GRCh38, chr19:8,966,315, plus strand): 5'-CACTGCACTTACATTGGCCCTCAGAGTCTCAAGCCCTATTGAAGGAGATGTGACAGATGA[C>T]GCAGAGCTTGTTTTTCCTCCTGAGGGATTGGTGAGGCTTGTAATGCCTTGGTCTCCAGAG-3'
Protein context (NP_001388430.1, residues 3515-3535): TNPSGGKTSS[Ala3525=]SSVTSPSIGL